The following is an entry in ClinVar:

NM_001605.3(AARS1):c.2625_2628dup (p.Leu877fs)

Gene: AARS1 (alanyl-tRNA synthetase 1; minus strand). Cytogenetic location: 16q22.1.
Variant type: Duplication.
Coding change: c.2625_2628dup on transcript NM_001605.3 (MANE Select); coding-DNA positions 2625 to 2628, 4 bases duplicated (GAAG; older notation c.2625_2628dupGAAG).
Protein change: p.Leu877fs; shifts the reading frame from leucine 877.
Molecular consequence: frameshift variant.
Genome position (GRCh38, 1-based): chr16:70,253,361-70,253,364, CTTC duplicated on the plus strand (GAAG on the coding strand, the reverse complement: AARS1 is on the minus strand). VCF-style (leftmost placement, unchanged base first): chr16-70253360-G-GCTTC. GRCh37 (hg19) VCF-style: chr16-70287263-G-GCTTC.
Other names: short protein forms L877fs.
Identifiers: ClinVar variation 4764951 (VCV004764951.1).

ClinVar aggregate classification (germline): Pathogenic (1 of 4 stars; one submission).

Conditions:
Charcot-Marie-Tooth disease type 2. Also called: Charcot-Marie-Tooth type 2. Identifiers: Orphanet 64746, MedGen C0270914, MONDO:0018993.

Submission:

Labcorp Genetics (formerly Invitae), Labcorp
Classification: Pathogenic for Charcot-Marie-Tooth disease type 2. Last evaluated: 2026-01-21. Review status: criteria provided, single submitter. Criteria: Invitae Variant Classification Sherloc (09022015). Collection method: clinical testing. Allele origin: germline.
Comment: This sequence change creates a premature translational stop signal (p.Leu877Glufs*20) in the AARS gene. While this is not anticipated to result in nonsense mediated decay, it is expected to disrupt the last 92 amino acid(s) of the AARS protein. This variant is not present in population databases (gnomAD no frequency). This variant has not been reported in the literature in individuals affected with AARS-related conditions. This variant disrupts a region of the AARS protein in which other variant(s) (p.Gly913Asp) have been determined to be pathogenic (PMID: 28493438, 31791873, 34446925). This suggests that this is a clinically significant region of the protein, and that variants that disrupt it are likely to be disease-causing. For these reasons, this variant has been classified as Pathogenic.

Literature cited by the submitters: PubMed 28493438; PubMed 31791873; PubMed 34446925.